The following is an entry in ClinVar:

ClinVar aggregate classification (germline): Pathogenic (1 of 4 stars; one submission).

Conditions:
Dextro-looped transposition of the great arteries. Also called: Dextrotransposition of the great arteries. Identifiers: Orphanet 860, MedGen C3531771, MONDO:0019443, OMIM 608808, HP:0031348.

Submission:

Labcorp Genetics (formerly Invitae), Labcorp
Classification: Pathogenic for Dextro-looped transposition of the great arteries. Last evaluated: 2024-02-23. Review status: criteria provided, single submitter. Criteria: Invitae Variant Classification Sherloc (09022015). Collection method: clinical testing. Allele origin: germline.
Comment: This sequence change creates a premature translational stop signal (p.Glu1849*) in the MED13L gene. It is expected to result in an absent or disrupted protein product. Loss-of-function variants in MED13L are known to be pathogenic (PMID: 25712080, 25758992). This variant is not present in population databases (gnomAD no frequency). This variant has not been reported in the literature in individuals affected with MED13L-related conditions. Algorithms developed to predict the effect of sequence changes on RNA splicing suggest that this variant may disrupt the consensus splice site. For these reasons, this variant has been classified as Pathogenic.

Literature cited by the submitters: PubMed 25712080; PubMed 25758992.

NM_015335.5(MED13L):c.5545G>T (p.Glu1849Ter)

Gene: MED13L (mediator complex subunit 13L; minus strand). Cytogenetic location: 12q24.21.
Variant type: single nucleotide variant.
Coding change: c.5545G>T on transcript NM_015335.5 (MANE Select); coding-DNA position 5545, G replaced by T.
Protein change: p.Glu1849Ter; replaces glutamic acid 1849 with a stop codon.
Molecular consequence: nonsense.
Genome position (GRCh38, 1-based): chr12:115,975,558, C>A on the plus strand (G>T on the coding strand, the complement: MED13L is on the minus strand). VCF-style: chr12-115975558-C-A. GRCh37 (hg19) VCF-style: chr12-116413363-C-A.
Other names: short protein forms E1849*.
Identifiers: ClinVar variation 3674762 (VCV003674762.2).